The following is an entry in ClinVar:

NM_001127511.3(APC):c.155G>A (p.Ser52Asn)

Gene: APC (APC regulator of Wnt signaling pathway; plus strand). Cytogenetic location: 5q22.2.
Variant type: single nucleotide variant.
Coding change: c.155G>A on transcript NM_001127511.3; coding-DNA position 155, G replaced by A.
Protein change: p.Ser52Asn; replaces serine 52 with asparagine.
Molecular consequence: missense variant. On other transcripts: 5 prime UTR variant (8), non-coding transcript variant (1), intron variant (5).
Genome position (GRCh38, 1-based): chr5:112,707,872, G>A. VCF-style: chr5-112707872-G-A. GRCh37 (hg19) VCF-style: chr5-112043569-G-A.
Other names: c.155G>A, p.Ser52Asn (NM_001354902.2, NM_001407446.1, NM_001354897.2); c.-29G>A (NM_001407447.1, NM_001407452.1, NM_001407456.1 and 3 more transcripts); c.-1064G>A (NM_001407470.1, NM_001407472.1); c.-19+223G>A (NM_001407448.1, NM_001407450.1, NM_001407457.1 and 1 more transcripts); c.-43+223G>A (NM_001407453.1); short protein forms S52N.
Identifiers: ClinVar variation 2866333 (VCV002866333.3), dbSNP rs1554060317, ClinGen allele CA360612188.
Genomic context (GRCh38, chr5:112,707,872, plus strand): 5'-GCTGCGTCCGGCAGGAGACGAAGAGCCCGGGCGGCGCTCGTACTTCTGGCCACTGGGCGA[G>A]CGTCTGGCAGGTGAGTGAGGCTGCAGGCATTGACGTCTCCTCCCGGCAAAGCTTCCTCGG-3'

ClinVar aggregate classification (germline): Uncertain significance (1 of 4 stars; one submission).

Conditions:
Familial adenomatous polyposis 1 (FAP1). Also called: FAMILIAL ADENOMATOUS POLYPOSIS 1, ATTENUATED; POLYPOSIS, ADENOMATOUS INTESTINAL. Identifiers: MedGen C2713442, MONDO:0021056, OMIM 175100. Disease mechanism: loss of function.

Submission:

Labcorp Genetics (formerly Invitae), Labcorp
Classification: Uncertain significance for Familial adenomatous polyposis 1. Last evaluated: 2023-10-04. Review status: criteria provided, single submitter. Criteria: Invitae Variant Classification Sherloc (09022015). Collection method: clinical testing. Allele origin: germline.
Comment: This variant occurs in a non-coding region of the APC gene. It does not change the encoded amino acid sequence of the APC protein. This variant is not present in population databases (gnomAD no frequency). This variant has not been reported in the literature in individuals affected with APC-related conditions. Experimental studies and prediction algorithms are not available or were not evaluated, and the functional significance of this variant is currently unknown. In summary, the available evidence is currently insufficient to determine the role of this variant in disease. Therefore, it has been classified as a Variant of Uncertain Significance.